The following is an entry in ClinVar:

ClinVar aggregate classification (germline): Uncertain significance (1 of 4 stars; one submission).

Submission:

Dasa
Classification: Uncertain significance. Last evaluated: 2025-09-09. Review status: criteria provided, single submitter. Criteria: DASA Assertion Criteria. Collection method: clinical testing. Allele origin: germline.
Comment: NM_001372233.1(KCNN2):c.23-4G>A is a splice-region variant. This variant is rare in population databases. Computational prediction algorithms are consistent with a benign effect. The currently available literature and clinical evidence are not sufficient to establish a definitive association between this variant and the reported condition. Therefore, this variant is classified as a variant of uncertain significance.

NM_001372233.1(KCNN2):c.23-4G>A

Gene: KCNN2 (potassium calcium-activated channel subfamily N member 2; plus strand). Cytogenetic location: 5q22.3.
Variant type: single nucleotide variant.
Coding change: c.23-4G>A on transcript NM_001372233.1; 4 bases into the intron before coding-DNA position 23, G replaced by A.
Molecular consequence: intron variant.
Genome position (GRCh38, 1-based): chr5:114,361,960, G>A. VCF-style: chr5-114361960-G-A. GRCh37 (hg19) VCF-style: chr5-113697657-G-A.
Identifiers: ClinVar variation 4881105 (VCV004881105.2).
Genomic context (GRCh38, chr5:114,361,960, plus strand): 5'-CTTTCTCTGCCACACACGCTTCCCTAAGCCGCGCGCGCCGCAAACTCAGTCTCGGTCCCC[G>A]CAGGTGATGTCATGCCCATTGTTTTGGTGCGCCCAACCAATCGGACTCGCCGCCTGGATT-3'